The following is an entry in ClinVar:

NM_032387.5(WNK4):c.1523G>A (p.Arg508His)

Gene: WNK4 (WNK lysine deficient protein kinase 4; plus strand). Cytogenetic location: 17q21.2.
Variant type: single nucleotide variant.
Coding change: c.1523G>A on transcript NM_032387.5 (MANE Select); coding-DNA position 1523, G replaced by A.
Protein change: p.Arg508His; replaces arginine 508 with histidine.
Molecular consequence: missense variant.
Genome position (GRCh38, 1-based): chr17:42,787,324, G>A. VCF-style: chr17-42787324-G-A. GRCh37 (hg19) VCF-style: chr17-40939342-G-A.
Other names: c.515G>A, p.Arg172His (NM_001321299.2); short protein forms R508H, R172H.
Identifiers: ClinVar variation 323319 (VCV000323319.12), dbSNP rs55997156, ClinGen allele CA8584012.

ClinVar aggregate classification (germline): Likely benign. Review status: criteria provided, multiple submitters, no conflicts (2 of 4 stars). 2 submissions from 2 submitters: Likely benign (2). Last evaluated 2025-09-03.

Conditions:
Pseudohypoaldosteronism type 2B (PHA2B). Also called: Pseudohypoaldosteronism Type IIB. Identifiers: Orphanet 757, Orphanet 88939, MedGen C1840390, MONDO:0013777, OMIM 614491.

Allele frequency attached by ClinVar (database versions not stated): ExAC 0.00055; gnomAD 0.00056 and 0.00060; 1000 Genomes Project 30x 0.00062; gnomAD exomes 0.00068 and 0.00132; TOPMed 0.00075; ESP Exome Variant Server 0.00077; 1000 Genomes Project 0.00080.
gnomAD v4.1: 1,997 of 1,614,088 alleles (0.12%); highest among the groups gnomAD compares: Non-Finnish European, 0.15%; 4 homozygotes.

Submissions (2):

Labcorp Genetics (formerly Invitae), Labcorp
Classification: Likely benign. Last evaluated: 2025-09-03. Review status: criteria provided, single submitter. Criteria: Invitae Variant Classification Sherloc (09022015). Collection method: clinical testing. Allele origin: germline.

Illumina Laboratory Services, Illumina
Classification: Likely benign for Pseudohypoaldosteronism type 2B. Last evaluated: 2017-04-27. Review status: criteria provided, single submitter. Criteria: ICSL Variant Classification Criteria 13 December 2019. Collection method: clinical testing. Allele origin: germline.
Comment: This variant was observed as part of a predisposition screen in an ostensibly healthy population. A literature search was performed for the gene, cDNA change, and amino acid change (where applicable). Publications were found based on this search. The evidence from the literature, in combination with allele frequency data from public databases where available, was sufficient to determine this variant is unlikely to cause disease. Therefore, this variant is classified as likely benign.

Literature cited by the submitters: PubMed 21236712 (cited by Illumina Laboratory Services, Illumina).